The following is an entry in ClinVar:

NM_024675.4(PALB2):c.390C>G (p.His130Gln)

Gene: PALB2 (partner and localizer of BRCA2; minus strand). Cytogenetic location: 16p12.2.
Variant type: single nucleotide variant.
Coding change: c.390C>G on transcript NM_024675.4 (MANE Select); coding-DNA position 390, C replaced by G.
Protein change: p.His130Gln; replaces histidine 130 with glutamine.
Molecular consequence: missense variant. On other transcripts: 5 prime UTR variant (8), intron variant (3).
Genome position (GRCh38, 1-based): chr16:23,636,156, G>C on the plus strand (C>G on the coding strand, the complement: PALB2 is on the minus strand). VCF-style: chr16-23636156-G-C. GRCh37 (hg19) VCF-style: chr16-23647477-G-C.
Other names: c.330C>G, p.His110Gln (NM_001407296.1); c.390C>G, p.His130Gln (NM_001407297.1, NM_001407298.1, NM_001407299.1 and 3 more transcripts); c.-496C>G (NM_001407304.1, NM_001407305.1, NM_001407306.1 and 5 more transcripts); c.48+4954C>G (NM_001407314.1); c.-105+4954C>G (NM_001407313.1, NM_001407312.1); short protein forms H110Q, H130Q.
Identifiers: ClinVar variation 5026158 (VCV005026158.1).

ClinVar aggregate classification (germline): Uncertain significance (1 of 4 stars; one submission).

Conditions:
Hereditary cancer-predisposing syndrome. Also called: Neoplastic Syndromes, Hereditary; Tumor predisposition; Hereditary neoplastic syndrome; Hereditary Cancer Syndrome. Identifiers: Orphanet 140162, MedGen C0027672, MeSH D009386, MONDO:0015356.

Submission:

Ambry Genetics
Classification: Uncertain significance for Hereditary cancer-predisposing syndrome. Last evaluated: 2026-07-06. Review status: criteria provided, single submitter. Criteria: Ambry Variant Classification Scheme 2023. Collection method: clinical testing. Allele origin: germline.
Comment: The p.H130Q variant (also known as c.390C>G), located in coding exon 4 of the PALB2 gene, results from a C to G substitution at nucleotide position 390. The histidine at codon 130 is replaced by glutamine, an amino acid with highly similar properties. This amino acid position is conserved. In addition, this alteration is predicted to be tolerated by in silico analysis. Based on the available evidence, the clinical significance of this variant remains unclear.